The following is an entry in ClinVar:

NM_203486.3(DLL3):c.415G>T (p.Ala139Ser)

Genes: DLL3 (delta like canonical Notch ligand 3; plus strand), LOC130064417 (ATAC-STARR-seq lymphoblastoid silent region 10608; plus strand). Cytogenetic location: 19q13.2.
Variant type: single nucleotide variant.
Coding change: c.415G>T on transcript NM_203486.3 (MANE Select); coding-DNA position 415, G replaced by T.
Protein change: p.Ala139Ser; replaces alanine 139 with serine.
Molecular consequence: missense variant.
Genome position (GRCh38, 1-based): chr19:39,502,820, G>T. VCF-style: chr19-39502820-G-T. GRCh37 (hg19) VCF-style: chr19-39993460-G-T.
Other names: c.415G>T, p.Ala139Ser (NM_016941.4); short protein forms A139S.
Identifiers: ClinVar variation 3368657 (VCV003368657.1).

ClinVar aggregate classification (germline): Uncertain significance (1 of 4 stars; one submission).

gnomAD v4.1: 7 of 1,419,294 alleles (0.00049%); highest among the groups gnomAD compares: Admixed American, 0.011%; no homozygotes.

Submission:

GeneDx
Classification: Uncertain significance. Last evaluated: 2024-01-31. Review status: criteria provided, single submitter. Criteria: GeneDx Variant Classification Process June 2021. Collection method: clinical testing. Allele origin: germline. Affected: yes.
Comment: In silico analysis supports that this missense variant does not alter protein structure/function; Has not been previously published as pathogenic or benign to our knowledge